The following is an entry in ClinVar:

ClinVar aggregate classification (germline): Likely pathogenic (1 of 4 stars; one submission).

Submission:

Labcorp Genetics (formerly Invitae), Labcorp
Classification: Likely pathogenic. Last evaluated: 2024-03-05. Review status: criteria provided, single submitter. Criteria: Invitae Variant Classification Sherloc (09022015). Collection method: clinical testing. Allele origin: germline.
Comment: This sequence change affects a donor splice site in intron 56 of the HERC1 gene. It is expected to disrupt RNA splicing. Variants that disrupt the donor or acceptor splice site typically lead to a loss of protein function (PMID: 16199547), and loss-of-function variants in HERC1 are known to be pathogenic (PMID: 26138117, 26153217, 27108999). This variant is not present in population databases (gnomAD no frequency). This variant has not been reported in the literature in individuals affected with HERC1-related conditions. Algorithms developed to predict the effect of sequence changes on RNA splicing suggest that this variant may disrupt the consensus splice site. In summary, the currently available evidence indicates that the variant is pathogenic, but additional data are needed to prove that conclusively. Therefore, this variant has been classified as Likely Pathogenic.

Literature cited by the submitters: PubMed 16199547; PubMed 26138117; PubMed 26153217; PubMed 27108999.

NM_003922.4(HERC1):c.11078+1G>A

Gene: HERC1 (HECT and RLD domain containing E3 ubiquitin protein ligase family member 1; minus strand). Cytogenetic location: 15q22.31.
Variant type: single nucleotide variant.
Coding change: c.11078+1G>A on transcript NM_003922.4 (MANE Select); the canonical splice donor site of the intron after coding-DNA position 11078, G replaced by A.
Molecular consequence: splice donor variant.
Genome position (GRCh38, 1-based): chr15:63,645,482, C>T on the plus strand (G>A on the coding strand, the complement: HERC1 is on the minus strand). VCF-style: chr15-63645482-C-T. GRCh37 (hg19) VCF-style: chr15-63937681-C-T.
Identifiers: ClinVar variation 3688288 (VCV003688288.2).